The following is an entry in ClinVar:

NM_006231.4(POLE):c.551G>C (p.Ser184Thr)

Gene: POLE (DNA polymerase epsilon, catalytic subunit; minus strand). Cytogenetic location: 12q24.33.
Variant type: single nucleotide variant.
Coding change: c.551G>C on transcript NM_006231.4 (MANE Select); coding-DNA position 551, G replaced by C.
Protein change: p.Ser184Thr; replaces serine 184 with threonine.
Molecular consequence: missense variant.
Genome position (GRCh38, 1-based): chr12:132,679,524, C>G on the plus strand (G>C on the coding strand, the complement: POLE is on the minus strand). VCF-style: chr12-132679524-C-G. GRCh37 (hg19) VCF-style: chr12-133256110-C-G.
Other names: short protein forms S184T.
Identifiers: ClinVar variation 2625236 (VCV002625236.2), dbSNP rs2542188104, ClinGen allele CA387366794.

ClinVar aggregate classification (germline): Uncertain significance (1 of 4 stars; one submission).

Conditions:
Hereditary cancer-predisposing syndrome. Also called: Tumor predisposition; Hereditary Cancer Syndrome; Hereditary neoplastic syndrome; Neoplastic Syndromes, Hereditary. Identifiers: Orphanet 140162, MedGen C0027672, MeSH D009386, MONDO:0015356.

Submission:

Ambry Genetics
Classification: Uncertain significance for Hereditary cancer-predisposing syndrome. Last evaluated: 2023-07-24. Review status: criteria provided, single submitter. Criteria: Ambry Variant Classification Scheme 2023. Collection method: clinical testing. Allele origin: germline.
Comment: The p.S184T variant (also known as c.551G>C), located in coding exon 6 of the POLE gene, results from a G to C substitution at nucleotide position 551. The serine at codon 184 is replaced by threonine, an amino acid with similar properties. This amino acid position is conserved. In addition, this alteration is predicted to be tolerated by in silico analysis. Since supporting evidence is limited at this time, the clinical significance of this alteration remains unclear.